The following is an entry in ClinVar:

ClinVar aggregate classification (germline): Uncertain significance (1 of 4 stars; one submission).

Submission:

Labcorp Genetics (formerly Invitae), Labcorp
Classification: Uncertain significance. Last evaluated: 2024-11-21. Review status: criteria provided, single submitter. Criteria: Invitae Variant Classification Sherloc (09022015). Collection method: clinical testing. Allele origin: germline.
Comment: This sequence change replaces proline, which is neutral and non-polar, with glutamine, which is neutral and polar, at codon 393 of the COL11A1 protein (p.Pro393Gln). This variant is not present in population databases (gnomAD no frequency). This variant has not been reported in the literature in individuals affected with COL11A1-related conditions. Invitae Evidence Modeling of protein sequence and biophysical properties (such as structural, functional, and spatial information, amino acid conservation, physicochemical variation, residue mobility, and thermodynamic stability) indicates that this missense variant is not expected to disrupt COL11A1 protein function with a negative predictive value of 95%. In summary, the available evidence is currently insufficient to determine the role of this variant in disease. Therefore, it has been classified as a Variant of Uncertain Significance.

NM_001854.4(COL11A1):c.1178C>A (p.Pro393Gln)

Gene: COL11A1 (collagen type XI alpha 1 chain; minus strand). Cytogenetic location: 1p21.1.
Variant type: single nucleotide variant.
Coding change: c.1178C>A on transcript NM_001854.4 (MANE Select); coding-DNA position 1178, C replaced by A.
Protein change: p.Pro393Gln; replaces proline 393 with glutamine.
Molecular consequence: missense variant. On other transcripts: non-coding transcript variant (1), intron variant (1).
Genome position (GRCh38, 1-based): chr1:103,022,809, G>T on the plus strand (C>A on the coding strand, the complement: COL11A1 is on the minus strand). VCF-style: chr1-103022809-G-T. GRCh37 (hg19) VCF-style: chr1-103488365-G-T.
Other names: c.1061C>A, p.Pro354Gln (NM_001190709.2); c.1214C>A, p.Pro405Gln (NM_080629.3); c.898-1040C>A (NM_080630.4); short protein forms P354Q, P393Q, P405Q.
Identifiers: ClinVar variation 3686358 (VCV003686358.2).